The following is an entry in ClinVar:

ClinVar aggregate classification (germline): Uncertain significance. Review status: criteria provided, multiple submitters, no conflicts (2 of 4 stars). 4 submissions from 4 submitters: Uncertain significance (2). 2 of the submissions do not count toward it. Last evaluated 2024-09-30.

Conditions:
Charcot-Marie-Tooth disease axonal type 2C (HMSN2C). Also called: Charcot-Marie-Tooth Disease Type 2, TRPV4-Related (CMT2C); CHARCOT-MARIE-TOOTH DISEASE, AXONAL, AUTOSOMAL DOMINANT, TYPE 2C; Charcot-Marie-Tooth Neuropathy Type 2C. Identifiers: Orphanet 99937, MedGen C1853710, MONDO:0011633, OMIM 606071.

Allele frequency attached by ClinVar (database versions not stated): gnomAD exomes below 0.00001; TOPMed 0.00003.
gnomAD v4.1: 4 of 1,614,232 alleles (0.00025%); highest among the groups gnomAD compares: Admixed American, 0.0017%; no homozygotes.

Submissions (4):

Labcorp Genetics (formerly Invitae), Labcorp
Classification: Uncertain significance for Charcot-Marie-Tooth disease axonal type 2C. Last evaluated: 2024-09-30. Review status: criteria provided, single submitter. Criteria: Invitae Variant Classification Sherloc (09022015). Collection method: clinical testing. Allele origin: germline.
Comment: This sequence change replaces aspartic acid, which is acidic and polar, with asparagine, which is neutral and polar, at codon 682 of the TRPV4 protein (p.Asp682Asn). The frequency data for this variant in the population databases is considered unreliable, as metrics indicate poor data quality at this position in the gnomAD database. This variant has not been reported in the literature in individuals affected with TRPV4-related conditions. ClinVar contains an entry for this variant (Variation ID: 941496). Invitae Evidence Modeling of protein sequence and biophysical properties (such as structural, functional, and spatial information, amino acid conservation, physicochemical variation, residue mobility, and thermodynamic stability) has been performed for this missense variant. However, the output from this modeling did not meet the statistical confidence thresholds required to predict the impact of this variant on TRPV4 protein function. In summary, the available evidence is currently insufficient to determine the role of this variant in disease. Therefore, it has been classified as a Variant of Uncertain Significance.

Mayo Clinic Laboratories, Mayo Clinic
Classification: Uncertain significance. Last evaluated: 2022-01-07. Review status: criteria provided, single submitter. Criteria: ACMG Guidelines, 2015. Collection method: clinical testing. Allele origin: germline.

Department of Pathology and Laboratory Medicine, Sinai Health System
Classification: Uncertain significance. Review status: no assertion criteria provided. Collection method: clinical testing. Allele origin: unknown. Affected: yes. Study: The Canadian Open Genetics Repository (COGR). Not counted in ClinVar's aggregate classification.
Comment: The TRPV4 p.Asp635Asn variant was not identified in the literature nor was it identified in ClinVar or LOVD 3.0. The variant was identified in dbSNP (ID: rs968378720) and in control databases in 1 of 251478 chromosomes at a frequency of 0.000003976 (Genome Aggregation Database March 6, 2019, v2.1.1). The variant was observed in the Latino population in 1 of 34592 chromosomes (freq: 0.000029), but was not observed in the African, Ashkenazi Jewish, East Asian, European (Finnish), European (non-Finnish), Other or South Asian populations. The p.Asp635 residue is conserved in mammals and computational analyses (PolyPhen-2, SIFT, AlignGVGD, BLOSUM, MutationTaster) provide inconsistent predictions regarding the impact to the protein; this information is not very predictive of pathogenicity. The variant occurs outside of the splicing consensus sequence and in silico or computational prediction software programs (SpliceSiteFinder, MaxEntScan, NNSPLICE, GeneSplicer) do not predict a difference in splicing. In summary, based on the above information the clinical significance of this variant cannot be determined with certainty at this time. This variant is classified as a variant of uncertain significance.

Institute of Human Genetics, University of Wuerzburg
Classification: Uncertain significance for Charcot-Marie-Tooth disease axonal type 2C. Review status: no assertion criteria provided. Collection method: clinical testing. Allele origin: unknown. Affected: yes. Observed: 1 variant allele. Not counted in ClinVar's aggregate classification.

NM_021625.5(TRPV4):c.2044G>A (p.Asp682Asn)

Gene: TRPV4 (transient receptor potential cation channel subfamily V member 4; minus strand). Cytogenetic location: 12q24.11.
Variant type: single nucleotide variant.
Coding change: c.2044G>A on transcript NM_021625.5 (MANE Select); coding-DNA position 2044, G replaced by A.
Protein change: p.Asp682Asn; replaces aspartic acid 682 with asparagine.
Molecular consequence: missense variant.
Genome position (GRCh38, 1-based): chr12:109,788,564, C>T on the plus strand (G>A on the coding strand, the complement: TRPV4 is on the minus strand). VCF-style: chr12-109788564-C-T. GRCh37 (hg19) VCF-style: chr12-110226369-C-T.
Other names: p.Asp682Asn; c.1903G>A, p.Asp635Asn (NM_001177428.2); c.1942G>A, p.Asp648Asn (NM_001177431.2); c.1723G>A, p.Asp575Asn (NM_001177433.2); c.1864G>A, p.Asp622Asn (NM_147204.3); short protein forms D622N, D635N, D648N, D575N, D682N.
Identifiers: ClinVar variation 941496 (VCV000941496.14), dbSNP rs968378720, ClinGen allele CA243497808.